The following is an entry in ClinVar:

NM_144687.4(NLRP12):c.737A>C (p.Tyr246Ser)

Gene: NLRP12 (NLR family pyrin domain containing 12; minus strand). Cytogenetic location: 19q13.42.
Variant type: single nucleotide variant.
Coding change: c.737A>C on transcript NM_144687.4 (MANE Select); coding-DNA position 737, A replaced by C.
Protein change: p.Tyr246Ser; replaces tyrosine 246 with serine.
Molecular consequence: missense variant.
Genome position (GRCh38, 1-based): chr19:53,810,922, T>G on the plus strand (A>C on the coding strand, the complement: NLRP12 is on the minus strand). VCF-style: chr19-53810922-T-G. GRCh37 (hg19) VCF-style: chr19-54314176-T-G.
Other names: c.737A>C, p.Tyr246Ser (NM_001277126.2, NM_001277129.1); short protein forms Y246S.
Identifiers: ClinVar variation 3682838 (VCV003682838.2).

ClinVar aggregate classification (germline): Uncertain significance (1 of 4 stars; one submission).

Conditions:
Familial cold autoinflammatory syndrome 2 (FCAS2). Identifiers: Orphanet 247868, MedGen C2673198, MONDO:0012724, OMIM 611762.

gnomAD v4.1: 11 of 1,614,114 alleles (0.00068%); highest among the groups gnomAD compares: South Asian, 0.0099%; no homozygotes.

Submission:

Labcorp Genetics (formerly Invitae), Labcorp
Classification: Uncertain significance for Familial cold autoinflammatory syndrome 2. Last evaluated: 2024-10-15. Review status: criteria provided, single submitter. Criteria: Invitae Variant Classification Sherloc (09022015). Collection method: clinical testing. Allele origin: germline.
Comment: This sequence change replaces tyrosine, which is neutral and polar, with serine, which is neutral and polar, at codon 246 of the NLRP12 protein (p.Tyr246Ser). This variant is present in population databases (rs538616124, gnomAD 0.003%). This variant has not been reported in the literature in individuals affected with NLRP12-related conditions. Invitae Evidence Modeling of protein sequence and biophysical properties (such as structural, functional, and spatial information, amino acid conservation, physicochemical variation, residue mobility, and thermodynamic stability) has been performed for this missense variant. However, the output from this modeling did not meet the statistical confidence thresholds required to predict the impact of this variant on NLRP12 protein function. In summary, the available evidence is currently insufficient to determine the role of this variant in disease. Therefore, it has been classified as a Variant of Uncertain Significance.